The following is an entry in ClinVar:

NM_000315.4(PTH):c.1_2insGCAT (p.Met1fs)

Gene: PTH (parathyroid hormone; minus strand). Cytogenetic location: 11p15.3.
Variant type: Insertion.
Coding change: c.1_2insGCAT on transcript NM_000315.4 (MANE Select); coding-DNA positions 1 to 2, GCAT inserted.
Protein change: p.Met1fs; shifts the reading frame from methionine 1.
Molecular consequence: frameshift variant, initiator codon variant.
Genome position: GRCh38 VCF-style: chr11-13492854-A-AATGC. GRCh37 (hg19) VCF-style: chr11-13514401-A-AATGC.
Other names: c.97_98insGCAT, p.Met33fs (NM_001316352.2); short protein forms M1fs, M33fs.
Identifiers: ClinVar variation 4537488 (VCV004537488.1).

ClinVar aggregate classification (germline): Likely pathogenic (1 of 4 stars; one submission).

Conditions:
Hypoparathyroidism, familial isolated 1 (FIH1). Identifiers: MedGen C5241444, MONDO:0007796, OMIM 146200.

Submission:

Pele Pequeno Principe Research Institute, Faculdades Pequeno Principe
Classification: Likely pathogenic for Hypoparathyroidism, familial isolated 1. Last evaluated: 2025-12-01. Review status: criteria provided, single submitter. Criteria: ACMG Guidelines, 2015. Collection method: research. Allele origin: germline. Inheritance: Autosomal recessive inheritance. Affected: yes. Observed: 1 homozygote.
Comment: The PTH:c.97_98insGCAT variant results in the insertion of four nucleotides in the PTH gene, causing a frameshift and leading to a premature stop codon at position 10 downstream, p.(Met33Serfs*10). This alteration is predicted to result in the production of a truncated protein or degradation of the transcript via nonsense-mediated decay (NMD). Loss-of-function variants in PTH are a well-established mechanism of disease, and heterozygous truncating variants are associated with hypoparathyroidism due to PTH deficiency. According to the Genome Aggregation Database (gnomAD), this variant is absent from population datasets. (PMIDs: 10932180; 20301412)

Literature cited by the submitters: PubMed 10932180; PubMed 20301412.